The following is an entry in ClinVar:

NM_004984.4(KIF5A):c.574C>T (p.His192Tyr)

Gene: KIF5A (kinesin family member 5A; plus strand). Cytogenetic location: 12q13.3.
Variant type: single nucleotide variant.
Coding change: c.574C>T on transcript NM_004984.4 (MANE Select); coding-DNA position 574, C replaced by T.
Protein change: p.His192Tyr; replaces histidine 192 with tyrosine.
Molecular consequence: missense variant.
Genome position (GRCh38, 1-based): chr12:57,567,198, C>T. VCF-style: chr12-57567198-C-T. GRCh37 (hg19) VCF-style: chr12-57960981-C-T.
Other names: c.307C>T, p.His103Tyr (NM_001354705.2); short protein forms H192Y, H103Y.
Identifiers: ClinVar variation 623813 (VCV000623813.43), dbSNP rs1565697656, ClinGen allele CA385497944.

ClinVar aggregate classification (germline): Uncertain significance (1 of 4 stars; one submission).

Submission:

CeGaT Center for Human Genetics Tuebingen
Classification: Uncertain significance. Last evaluated: 2025-11-01. Review status: criteria provided, single submitter. Criteria: CeGaT Center For Human Genetics Tuebingen Variant Classification Criteria Version 2. Collection method: clinical testing. Allele origin: germline. Affected: yes. Observed: 1 variant allele.
Comment: KIF5A: PM2, PP3